The following is an entry in ClinVar:

NM_000419.5(ITGA2B):c.2773G>A (p.Glu925Lys)

Gene: ITGA2B (integrin subunit alpha 2b; minus strand). Cytogenetic location: 17q21.31.
Variant type: single nucleotide variant.
Coding change: c.2773G>A on transcript NM_000419.5 (MANE Select); coding-DNA position 2773, G replaced by A.
Protein change: p.Glu925Lys; replaces glutamic acid 925 with lysine.
Molecular consequence: missense variant.
Genome position (GRCh38, 1-based): chr17:44,375,066, C>T on the plus strand (G>A on the coding strand, the complement: ITGA2B is on the minus strand). VCF-style: chr17-44375066-C-T. GRCh37 (hg19) VCF-style: chr17-42452434-C-T.
Other names: short protein forms E925K.
Identifiers: ClinVar variation 2682594 (VCV002682594.1), dbSNP rs2510073269, ClinGen allele CA399792021.

ClinVar aggregate classification (germline): Uncertain significance (1 of 4 stars; one submission).

Submission:

Women's Health and Genetics/Laboratory Corporation of America, LabCorp
Classification: Uncertain significance. Last evaluated: 2023-11-17. Review status: criteria provided, single submitter. Criteria: LabCorp Variant Classification Summary - May 2015. Collection method: clinical testing. Allele origin: germline.
Comment: Variant summary: ITGA2B c.2773G>A (p.Glu925Lys) results in a conservative amino acid change located in the Integrin alpha, third immunoglobulin-like domain (IPR048286) of the encoded protein sequence. Four of five in-silico tools predict a benign effect of the variant on protein function. The variant was absent in 146598 control chromosomes. The available data on variant occurrences in the general population are insufficient to allow any conclusion about variant significance. To our knowledge, no occurrence of c.2773G>A in individuals affected with ITGA2B-Related Disorders and no experimental evidence demonstrating its impact on protein function have been reported. No submitters have cited clinical-significance assessments for this variant to ClinVar after 2014. Based on the evidence outlined above, the variant was classified as uncertain significance.